The following is an entry in ClinVar:

NM_032122.5(DTNBP1):c.401A>T (p.His134Leu)

Gene: DTNBP1 (dystrobrevin binding protein 1; minus strand). Cytogenetic location: 6p22.3.
Variant type: single nucleotide variant.
Coding change: c.401A>T on transcript NM_032122.5 (MANE Select); coding-DNA position 401, A replaced by T.
Protein change: p.His134Leu; replaces histidine 134 with leucine.
Molecular consequence: missense variant. On other transcripts: non-coding transcript variant (1).
Genome position (GRCh38, 1-based): chr6:15,615,354, T>A on the plus strand (A>T on the coding strand, the complement: DTNBP1 is on the minus strand). VCF-style: chr6-15615354-T-A. GRCh37 (hg19) VCF-style: chr6-15615585-T-A.
Other names: c.158A>T, p.His53Leu (NM_001271667.2); c.350A>T, p.His117Leu (NM_001271668.2); c.296A>T, p.His99Leu (NM_001271669.2); c.401A>T, p.His134Leu (NM_183040.2); short protein forms H134L, H117L, H53L, H99L.
Identifiers: ClinVar variation 1504564 (VCV001504564.6), dbSNP rs985882739, ClinGen allele CA134865853.

ClinVar aggregate classification (germline): Uncertain significance (1 of 4 stars; one submission).

Allele frequency attached by ClinVar (database versions not stated): gnomAD exomes below 0.00001 and 0.00001; gnomAD 0.00002; TOPMed 0.00002.
gnomAD v4.1: 12 of 1,614,032 alleles (0.00074%); highest among the groups gnomAD compares: African/African-American, 0.0027%; no homozygotes.

Submission:

Labcorp Genetics (formerly Invitae), Labcorp
Classification: Uncertain significance. Last evaluated: 2022-10-05. Review status: criteria provided, single submitter. Criteria: Invitae Variant Classification Sherloc (09022015). Collection method: clinical testing. Allele origin: germline.
Comment: This sequence change replaces histidine, which is basic and polar, with leucine, which is neutral and non-polar, at codon 134 of the DTNBP1 protein (p.His134Leu). This variant is present in population databases (no rsID available, gnomAD 0.004%). This variant has not been reported in the literature in individuals affected with DTNBP1-related conditions. ClinVar contains an entry for this variant (Variation ID: 1504564). Advanced modeling of protein sequence and biophysical properties (such as structural, functional, and spatial information, amino acid conservation, physicochemical variation, residue mobility, and thermodynamic stability) performed at Invitae indicates that this missense variant is not expected to disrupt DTNBP1 protein function. In summary, the available evidence is currently insufficient to determine the role of this variant in disease. Therefore, it has been classified as a Variant of Uncertain Significance.